The following continues an entry in ClinVar:

NM_024675.4(PALB2):c.758dup (p.Ser254fs)

Gene: PALB2. ClinVar aggregate classification (germline): Pathogenic/Likely pathogenic. Pathogenic (16); Likely pathogenic (1).

Submissions 12 to 22 of 22:

Women's Health and Genetics/Laboratory Corporation of America, LabCorp
Classification: Pathogenic for Hereditary breast ovarian cancer syndrome. Last evaluated: 2021-02-12. Review status: criteria provided, single submitter. Criteria: LabCorp Variant Classification Summary - May 2015. Collection method: clinical testing. Allele origin: germline.
Comment: Variant summary: PALB2 c.758dupT (p.Ser254IlefsX3) results in a premature termination codon, predicted to cause a truncation of the encoded protein or absence of the protein due to nonsense mediated decay, which are commonly known mechanisms for disease. Truncations downstream of this position have been classified as pathogenic by our laboratory. The variant allele was found at a frequency of 2.4e-05 in 251366 control chromosomes. c.758dupT has been reported in the literature in individuals affected with Hereditary Breast And Ovarian Cancer Syndrome (e.g. Zheng_2012, Pern_2012, Wong-Brown_2014, Lerner-Ellis_2017, Carter_2018). These data indicate that the variant is likely to be associated with disease. To our knowledge, no experimental evidence demonstrating an impact on protein function has been reported. Nine other ClinVar submitters (evaluation after 2014) have cited the variant as pathogenic/likely pathogenic. Based on the evidence outlined above, the variant was classified as pathogenic.

Illumina Laboratory Services, Illumina
Classification: Pathogenic. Last evaluated: 2020-05-26. Review status: criteria provided, single submitter. Criteria: ICSLVariantClassificationCriteria RUGD 01 April 2020. Collection method: clinical testing. Allele origin: unknown.
Comment: The PALB2 c.758dupT (p.Ser254IlefsTer3) variant is a frameshift variant and is predicted to result in premature termination of the protein. The variant has been identified in a heterozygous state in at least five unrelated individuals with breast or ovarian cancer (Zheng et al. 2012; Wong-Brown et al. 2014; Kanchi et al. 2014; Thompson et al. 2016). The variant was absent from 2259 controls (Zheng et al. 2012; Thompson et al. 2016) and is reported at a frequency of 0.000053 in the European (non-Finnish) population of the Genome Aggregation Database. Functional data are unavailable for this variant, but it is located in a mutational hotspot. Based on the collective evidence and application of ACMG criteria, the c.758dupT (p.Ser254IlefsTer3) variant is classified as pathogenic for PALB2-related disorders.

Genetic Services Laboratory, University of Chicago
Classification: Pathogenic. Last evaluated: 2019-06-12. Review status: criteria provided, single submitter. Criteria: ACMG Guidelines, 2015. Collection method: clinical testing. Allele origin: germline. Affected: yes.

Cancer Genetics Laboratory, Peter MacCallum Cancer Centre
Classification: Likely pathogenic for Familial cancer of breast. Last evaluated: 2015-06-01. Review status: criteria provided, single submitter. Criteria: Thompson et al. (Breast Cancer Res. 2015). Collection method: case-control. Allele origin: germline. Affected: yes. Observed: 2 variant alleles, 2 heterozygotes.

Genesis Genomics
Classification: Pathogenic for Breast-ovarian cancer, familial, susceptibility to, 5. Review status: criteria provided, single submitter. Criteria: ACMG Guidelines, 2015. Collection method: clinical testing. Allele origin: germline. Affected: yes. Observed: 1 variant allele.

Juno Genomics, Hangzhou Juno Genomics, Inc
Classification: Pathogenic for Breast-ovarian cancer, familial, susceptibility to, 5; Pancreatic cancer, susceptibility to, 3; Fanconi anemia complementation group N. Review status: criteria provided, single submitter. Criteria: ACMG Guidelines, 2015. Collection method: clinical testing. Allele origin: germline. Affected: yes.
Comment: Null variant in a gene where loss of function (LOF) is a known mechanism of disease.;The prevalence of the variant in affected individuals is significantly increased compared to the prevalence in controls.;Novel missense change at an amino acid residue where a different missense change determined to be pathogenic has been seen before.

Leiden Open Variation Database
Classification: Pathogenic for Familial cancer of breast. Last evaluated: 2019-05-13. Review status: no assertion criteria provided. Collection method: curation. Allele origin: germline. Affected: no. Not counted in ClinVar's aggregate classification.
Comment: Curators: Marc Tischkowitz, Arleen D. Auerbach. Submitters to LOVD: Marc Tischkowitz, Yukihide Momozawa.

Counsyl
Classification: Pathogenic for Familial cancer of breast. Last evaluated: 2016-02-10. Review status: no assertion criteria provided. Collection method: clinical testing. Allele origin: unknown. Not counted in ClinVar's aggregate classification.

Clinical Genetics DNA and cytogenetics Diagnostics Lab, Erasmus MC, Erasmus Medical Center
Classification: Pathogenic. Review status: no assertion criteria provided. Collection method: clinical testing. Allele origin: germline. Affected: yes. Study: VKGL Data-share Consensus. Not counted in ClinVar's aggregate classification.

Diagnostic Laboratory, Department of Genetics, University Medical Center Groningen
Classification: Pathogenic. Review status: no assertion criteria provided. Collection method: clinical testing. Allele origin: germline. Affected: yes. Study: VKGL Data-share Consensus. Not counted in ClinVar's aggregate classification.

Genome Diagnostics Laboratory, Amsterdam University Medical Center
Classification: Pathogenic. Review status: no assertion criteria provided. Collection method: clinical testing. Allele origin: germline. Affected: yes. Study: VKGL Data-share Consensus. Not counted in ClinVar's aggregate classification.

Literature cited by the submitters: PubMed 17200668 (cited by Labcorp Genetics (formerly Invitae), Labcorp); PubMed 17200671 (cited by Labcorp Genetics (formerly Invitae), Labcorp); PubMed 17200672 (cited by Labcorp Genetics (formerly Invitae), Labcorp); PubMed 24136930 (cited by Labcorp Genetics (formerly Invitae), Labcorp); PubMed 25099575 (cited by Labcorp Genetics (formerly Invitae), Labcorp); PubMed 21932393 (cited by 8 submitters); PubMed 22692731 (cited by 3 submitters); PubMed 23110154 (cited by 6 submitters); PubMed 23824750 (cited by 6 submitters); PubMed 24448499 (cited by Labcorp Genetics (formerly Invitae), Labcorp and Color Diagnostics, LLC DBA Color Health); PubMed 24870022 (cited by Labcorp Genetics (formerly Invitae), Labcorp); PubMed 26283626 (cited by 5 submitters); PubMed 32854451 (cited by 4 submitters); PubMed 25428789 (cited by 4 submitters); PubMed 25980754 (cited by 3 submitters); PubMed 26689913 (cited by Ambry Genetics); PubMed 26786923 (cited by Ambry Genetics and Women's Health and Genetics/Laboratory Corporation of America, LabCorp); PubMed 28194609 (cited by 3 submitters); PubMed 28779002 (cited by Ambry Genetics); PubMed 30287823 (cited by 3 submitters); PubMed 30322717 (cited by Ambry Genetics and Women's Health and Genetics/Laboratory Corporation of America, LabCorp); PubMed 33471991 (cited by Ambry Genetics and Color Diagnostics, LLC DBA Color Health); PubMed 24763289 (cited by Quest Diagnostics Nichols Institute San Juan Capistrano and Counsyl).